The following is an entry in ClinVar:

NM_001267550.2(TTN):c.93131G>A (p.Gly31044Asp)

Genes: TTN (titin; minus strand), TTN-AS1 (TTN antisense RNA 1; plus strand). Cytogenetic location: 2q31.2.
Variant type: single nucleotide variant.
Coding change: c.93131G>A on transcript NM_001267550.2 (MANE Select); coding-DNA position 93131, G replaced by A.
Protein change: p.Gly31044Asp; replaces glycine 31044 with aspartic acid.
Molecular consequence: missense variant.
Genome position (GRCh38, 1-based): chr2:178,548,495, C>T on the plus strand (G>A on the coding strand, the complement: TTN is on the minus strand). VCF-style: chr2-178548495-C-T. GRCh37 (hg19) VCF-style: chr2-179413222-C-T.
Other names: c.88208G>A, p.Gly29403Asp (NM_001256850.1); c.65936G>A, p.Gly21979Asp (NM_003319.4); c.85427G>A, p.Gly28476Asp (NM_133378.4); c.66311G>A, p.Gly22104Asp (NM_133432.3); c.66512G>A, p.Gly22171Asp (NM_133437.4); short protein forms G22104D, G21979D, G29403D, G28476D, G31044D, G22171D.
Identifiers: ClinVar variation 681556 (VCV000681556.1), dbSNP rs570464905, ClinGen allele CA1987352.

ClinVar aggregate classification (germline): Likely benign (1 of 4 stars; one submission).

Allele frequency attached by ClinVar (database versions not stated): TOPMed 0.00002.
gnomAD v4.1: 47 of 1,613,762 alleles (0.0029%); highest among the groups gnomAD compares: Non-Finnish European, 0.0039%; no homozygotes.

Submission:

GeneDx
Classification: Likely benign. Last evaluated: 2018-04-05. Review status: criteria provided, single submitter. Criteria: GeneDx Variant Classification (06012015). Collection method: clinical testing. Allele origin: germline. Affected: yes.
Comment: This variant is considered likely benign or benign based on one or more of the following criteria: it is a conservative change, it occurs at a poorly conserved position in the protein, it is predicted to be benign by multiple in silico algorithms, and/or has population frequency not consistent with disease.